The following is an entry in ClinVar:

NM_053025.4(MYLK):c.3421A>G (p.Thr1141Ala)

Gene: MYLK (myosin light chain kinase; minus strand). Cytogenetic location: 3q21.1.
Variant type: single nucleotide variant.
Coding change: c.3421A>G on transcript NM_053025.4 (MANE Select); coding-DNA position 3421, A replaced by G.
Protein change: p.Thr1141Ala; replaces threonine 1141 with alanine.
Molecular consequence: missense variant.
Genome position (GRCh38, 1-based): chr3:123,700,047, T>C on the plus strand (A>G on the coding strand, the complement: MYLK is on the minus strand). VCF-style: chr3-123700047-T-C. GRCh37 (hg19) VCF-style: chr3-123418894-T-C.
Other names: c.2893A>G, p.Thr965Ala (NM_001321309.2); c.3214A>G, p.Thr1072Ala (NM_053026.4, NM_053028.4); c.3421A>G, p.Thr1141Ala (NM_053027.4); short protein forms T1141A, T965A, T1072A.
Identifiers: ClinVar variation 1382538 (VCV001382538.6), dbSNP rs1221733896, ClinGen allele CA354228654.

ClinVar aggregate classification (germline): Uncertain significance (1 of 4 stars; one submission).

Conditions:
Aortic aneurysm, familial thoracic 7 (AAT7). Also called: AORTIC DISSECTION, FAMILIAL, WITH OR WITHOUT AORTIC ANEURYSM. Identifiers: MedGen C3151077, MONDO:0013418, OMIM 613780.

gnomAD v4.1: 1 of 1,613,956 alleles (0.000062%); highest among the groups gnomAD compares: Non-Finnish European, 0.000085%; no homozygotes.

Submission:

Labcorp Genetics (formerly Invitae), Labcorp
Classification: Uncertain significance for Aortic aneurysm, familial thoracic 7. Last evaluated: 2021-09-21. Review status: criteria provided, single submitter. Criteria: Invitae Variant Classification Sherloc (09022015). Collection method: clinical testing. Allele origin: germline.
Comment: This variant has not been reported in the literature in individuals affected with MYLK-related conditions. This variant is not present in population databases (ExAC no frequency). This sequence change replaces threonine with alanine at codon 1141 of the MYLK protein (p.Thr1141Ala). The threonine residue is highly conserved and there is a small physicochemical difference between threonine and alanine. In summary, the available evidence is currently insufficient to determine the role of this variant in disease. Therefore, it has been classified as a Variant of Uncertain Significance. Advanced modeling of protein sequence and biophysical properties (such as structural, functional, and spatial information, amino acid conservation, physicochemical variation, residue mobility, and thermodynamic stability) performed at Invitae indicates that this missense variant is not expected to disrupt MYLK protein function.